The following is an entry in ClinVar:

NM_021098.3(CACNA1H):c.355A>G (p.Met119Val)

Gene: CACNA1H (calcium voltage-gated channel subunit alpha1 H; plus strand). Cytogenetic location: 16p13.3.
Variant type: single nucleotide variant.
Coding change: c.355A>G on transcript NM_021098.3 (MANE Select); coding-DNA position 355, A replaced by G.
Protein change: p.Met119Val; replaces methionine 119 with valine.
Molecular consequence: missense variant.
Genome position (GRCh38, 1-based): chr16:1,195,027, A>G. VCF-style: chr16-1195027-A-G. GRCh37 (hg19) VCF-style: chr16-1245027-A-G.
Other names: c.355A>G, p.Met119Val (NM_001005407.2); short protein forms M119V.
Identifiers: ClinVar variation 650870 (VCV000650870.10), dbSNP rs778186545, ClinGen allele CA7799370.

ClinVar aggregate classification (germline): Conflicting classifications of pathogenicity. Review status: criteria provided, conflicting classifications (1 of 4 stars). 3 submissions from 3 submitters: Uncertain significance (2); Benign (1). Last evaluated 2025-07-08.

Conditions:
Epilepsy, childhood absence, susceptibility to, 6. Identifiers: Orphanet 64280, MedGen C2749872, MONDO:0012763, OMIM 611942.
Hyperaldosteronism, familial, type IV (HALD4). Also called: ALDOSTERONISM, PRIMARY, AND HYPERTENSION; FH IV. Identifiers: Orphanet 642671, MedGen C4310756, MONDO:0014875, OMIM 617027.
Idiopathic generalized epilepsy. Also called: Generalised epilepsy; EIG. Identifiers: MedGen C0270850, MONDO:0005579, OMIM 600669.

Allele frequency attached by ClinVar (database versions not stated): TOPMed 0.00001; gnomAD exomes below 0.00001 and 0.00001; ExAC 0.00001; gnomAD 0.00001.

Submissions (3):

Women's Health and Genetics/Laboratory Corporation of America, LabCorp
Classification: Uncertain significance. Last evaluated: 2025-07-08. Review status: criteria provided, single submitter. Criteria: LabCorp Variant Classification Summary - May 2015. Collection method: clinical testing. Allele origin: germline.
Comment: Variant summary: CACNA1H c.355A>G (p.Met119Val) results in a conservative amino acid change in the encoded protein sequence. Algorithms developed to predict the effect of missense changes on protein structure and function are either unavailable or do not agree on the potential impact of this missense change. The variant allele was found at a frequency of 4e-06 in 248314 control chromosomes. The available data on variant occurrences in the general population are insufficient to allow any conclusion about variant significance. To our knowledge, no occurrence of c.355A>G in individuals affected with Idiopathic Generalized Epilepsy and no experimental evidence demonstrating its impact on protein function have been reported. ClinVar contains an entry for this variant (Variation ID: 650870). Based on the evidence outlined above, the variant was classified as uncertain significance.

Labcorp Genetics (formerly Invitae), Labcorp
Classification: Benign for Idiopathic generalized epilepsy; Hyperaldosteronism, familial, type IV. Last evaluated: 2024-01-07. Review status: criteria provided, single submitter. Criteria: Invitae Variant Classification Sherloc (09022015). Collection method: clinical testing. Allele origin: germline.

Fulgent Genetics
Classification: Uncertain significance for Epilepsy, childhood absence, susceptibility to, 6; Hyperaldosteronism, familial, type IV. Last evaluated: 2021-11-29. Review status: criteria provided, single submitter. Criteria: ACMG Guidelines, 2015. Collection method: clinical testing. Allele origin: unknown.